The following is an entry in ClinVar:

ClinVar aggregate classification (germline): Uncertain significance (1 of 4 stars; one submission).

Submission:

GeneDx
Classification: Uncertain significance. Last evaluated: 2024-02-25. Review status: criteria provided, single submitter. Criteria: GeneDx Variant Classification Process June 2021. Collection method: clinical testing. Allele origin: germline. Affected: yes.
Comment: Not observed at significant frequency in large population cohorts (gnomAD); In silico analysis supports that this missense variant has a deleterious effect on protein structure/function; In silico analysis supports that this missense variant has a deleterious effect on splicing; Has not been previously published as pathogenic or benign to our knowledge

NM_015981.4(CAMK2A):c.514G>A (p.Gly172Arg)

Gene: CAMK2A (calcium/calmodulin dependent protein kinase II alpha; minus strand). Cytogenetic location: 5q32.
Variant type: single nucleotide variant.
Coding change: c.514G>A on transcript NM_015981.4 (MANE Select); coding-DNA position 514, G replaced by A.
Protein change: p.Gly172Arg; replaces glycine 172 with arginine.
Molecular consequence: missense variant.
Genome position (GRCh38, 1-based): chr5:150,253,444, C>T on the plus strand (G>A on the coding strand, the complement: CAMK2A is on the minus strand). VCF-style: chr5-150253444-C-T. GRCh37 (hg19) VCF-style: chr5-149633007-C-T.
Other names: c.514G>A, p.Gly172Arg (NM_001363989.1, NM_001363990.1, NM_001369025.2 and 1 more transcripts); short protein forms G172R.
Identifiers: ClinVar variation 3369838 (VCV003369838.1).